The following is an entry in ClinVar:

ClinVar aggregate classification (germline): Uncertain significance (1 of 4 stars; one submission).

Submission:

GeneDx
Classification: Uncertain significance. Last evaluated: 2024-05-02. Review status: criteria provided, single submitter. Criteria: GeneDx Variant Classification Process June 2021. Collection method: clinical testing. Allele origin: germline. Affected: yes.
Comment: Not observed at significant frequency in large population cohorts (gnomAD); In silico analysis supports that this missense variant has a deleterious effect on protein structure/function; Has not been previously published as pathogenic or benign to our knowledge; This variant is associated with the following publications: (PMID: 25512093, 25609763, 26100331)

NM_001376.5(DYNC1H1):c.5256G>T (p.Leu1752Phe)

Gene: DYNC1H1 (dynein cytoplasmic 1 heavy chain 1; plus strand). Cytogenetic location: 14q32.31.
Variant type: single nucleotide variant.
Coding change: c.5256G>T on transcript NM_001376.5 (MANE Select); coding-DNA position 5256, G replaced by T.
Protein change: p.Leu1752Phe; replaces leucine 1752 with phenylalanine.
Molecular consequence: missense variant.
Genome position (GRCh38, 1-based): chr14:102,005,059, G>T. VCF-style: chr14-102005059-G-T. GRCh37 (hg19) VCF-style: chr14-102471396-G-T.
Other names: short protein forms L1752F.
Identifiers: ClinVar variation 3376017 (VCV003376017.1).